The following is an entry in ClinVar:

ClinVar aggregate classification (germline): Uncertain significance (1 of 4 stars; one submission).

Submission:

Labcorp Genetics (formerly Invitae), Labcorp
Classification: Uncertain significance. Last evaluated: 2022-08-31. Review status: criteria provided, single submitter. Criteria: Invitae Variant Classification Sherloc (09022015). Collection method: clinical testing. Allele origin: germline.
Comment: In summary, the available evidence is currently insufficient to determine the role of this variant in disease. Therefore, it has been classified as a Variant of Uncertain Significance. Algorithms developed to predict the effect of missense changes on protein structure and function are either unavailable or do not agree on the potential impact of this missense change (SIFT: "Tolerated"; PolyPhen-2: "Possibly Damaging"; Align-GVGD: "Class C0"). This variant has not been reported in the literature in individuals affected with ROM1-related conditions. This variant is not present in population databases (gnomAD no frequency). This sequence change replaces alanine, which is neutral and non-polar, with glycine, which is neutral and non-polar, at codon 31 of the ROM1 protein (p.Ala31Gly).

NM_000327.4(ROM1):c.92C>G (p.Ala31Gly)

Gene: ROM1 (retinal outer segment membrane protein 1; plus strand). Cytogenetic location: 11q12.3.
Variant type: single nucleotide variant.
Coding change: c.92C>G on transcript NM_000327.4 (MANE Select); coding-DNA position 92, C replaced by G.
Protein change: p.Ala31Gly; replaces alanine 31 with glycine.
Molecular consequence: missense variant.
Genome position (GRCh38, 1-based): chr11:62,613,373, C>G. VCF-style: chr11-62613373-C-G. GRCh37 (hg19) VCF-style: chr11-62380845-C-G.
Other names: short protein forms A31G.
Identifiers: ClinVar variation 2091317 (VCV002091317.4), dbSNP rs2496220058, ClinGen allele CA380968290.